The following is an entry in ClinVar:

ClinVar aggregate classification (germline): Uncertain significance (1 of 4 stars; one submission).

Conditions:
Rhabdoid tumor predisposition syndrome 2 (RTPS2). Identifiers: Orphanet 231108, Orphanet 69077, MedGen C2750074, MONDO:0013224, OMIM 613325.

Allele frequency attached by ClinVar (database versions not stated): gnomAD exomes below 0.00001.
gnomAD v4.1: 1 of 1,613,196 alleles (0.000062%); highest among the groups gnomAD compares: Non-Finnish European, 0.000085%; no homozygotes.

Submission:

Labcorp Genetics (formerly Invitae), Labcorp
Classification: Uncertain significance for Rhabdoid tumor predisposition syndrome 2. Last evaluated: 2021-10-08. Review status: criteria provided, single submitter. Criteria: Invitae Variant Classification Sherloc (09022015). Collection method: clinical testing. Allele origin: germline.
Comment: Algorithms developed to predict the effect of missense changes on protein structure and function (SIFT, PolyPhen-2, Align-GVGD) all suggest that this variant is likely to be disruptive. This variant has not been reported in the literature in individuals affected with SMARCA4-related conditions. This variant is not present in population databases (ExAC no frequency). This sequence change replaces tyrosine with serine at codon 1008 of the SMARCA4 protein (p.Tyr1008Ser). The tyrosine residue is highly conserved and there is a large physicochemical difference between tyrosine and serine. In summary, the available evidence is currently insufficient to determine the role of this variant in disease. Therefore, it has been classified as a Variant of Uncertain Significance.

NM_003072.5(SMARCA4):c.3023A>C (p.Tyr1008Ser)

Gene: SMARCA4 (SWI/SNF related BAF chromatin remodeling complex subunit ATPase 4; plus strand). Cytogenetic location: 19p13.2.
Variant type: single nucleotide variant.
Coding change: c.3023A>C on transcript NM_003072.5 (MANE Select); coding-DNA position 3023, A replaced by C.
Protein change: p.Tyr1008Ser; replaces tyrosine 1008 with serine.
Molecular consequence: missense variant. On other transcripts: non-coding transcript variant (1).
Genome position (GRCh38, 1-based): chr19:11,024,380, A>C. VCF-style: chr19-11024380-A-C. GRCh37 (hg19) VCF-style: chr19-11135056-A-C.
Other names: c.3023A>C, p.Tyr1008Ser (NM_001128844.3, NM_001128845.2, NM_001128846.2 and 5 more transcripts); short protein forms Y1008S.
Identifiers: ClinVar variation 1371928 (VCV001371928.6), dbSNP rs2146473833, ClinGen allele CA404058964.